The following is an entry in ClinVar:

NM_001103.4(ACTN2):c.1839+5G>C

Gene: ACTN2 (actinin alpha 2; plus strand). Cytogenetic location: 1q43.
Variant type: single nucleotide variant.
Coding change: c.1839+5G>C on transcript NM_001103.4 (MANE Select); 5 bases into the intron after coding-DNA position 1839, G replaced by C.
Molecular consequence: intron variant.
Genome position (GRCh38, 1-based): chr1:236,751,657, G>C. VCF-style: chr1-236751657-G-C. GRCh37 (hg19) VCF-style: chr1-236914957-G-C.
Other names: c.1215+5G>C (NM_001278344.2); c.1839+5G>C (NM_001278343.2).
Identifiers: ClinVar variation 208561 (VCV000208561.4), dbSNP rs797045081, ClinGen allele CA204545.

ClinVar aggregate classification (germline): Uncertain significance (1 of 4 stars; one submission).

Submission:

Laboratory for Molecular Medicine, Mass General Brigham Personalized Medicine
Classification: Uncertain significance. Last evaluated: 2015-10-27. Review status: criteria provided, single submitter. Criteria: LMM Criteria. Collection method: clinical testing. Allele origin: germline. Observed: 2 variant alleles.
Comment: The c.1839+5G>C variant in ACTN2 has not been previously reported in individuals with cardiomyopathy or in large population studies. This variant is located in the 5' splice region. Computational tools do suggest some impact to splicing. Ho wever, this information is not predictive enough to determine pathogenicity. Whi le variants in ACTN2 are associated with HCM (Chiu 2010), it remains unclear if heterozygous loss of function variants in this gene would have a role in the eti ology of HCM as all reported pathogenic variants have been missense changes. In summary, the clinical significance of the 1839+5G>C variant is uncertain.